The following is an entry in ClinVar:

ClinVar aggregate classification (germline): Uncertain significance. Review status: criteria provided, multiple submitters, no conflicts (2 of 4 stars). 2 submissions from 2 submitters: Uncertain significance (2). Last evaluated 2025-01-13.

Allele frequency attached by ClinVar (database versions not stated): gnomAD exomes 0.00001 and 0.00002; ExAC 0.00003; gnomAD 0.00003; TOPMed 0.00003; ESP Exome Variant Server 0.00008.
gnomAD v4.1: 24 of 1,602,780 alleles (0.0015%); highest among the groups gnomAD compares: Admixed American, 0.0085%; no homozygotes.

Submissions (2):

Labcorp Genetics (formerly Invitae), Labcorp
Classification: Uncertain significance. Last evaluated: 2025-01-13. Review status: criteria provided, single submitter. Criteria: Invitae Variant Classification Sherloc (09022015). Collection method: clinical testing. Allele origin: germline.
Comment: This sequence change replaces aspartic acid, which is acidic and polar, with glycine, which is neutral and non-polar, at codon 1920 of the MYO18B protein (p.Asp1920Gly). This variant is present in population databases (rs374123659, gnomAD 0.009%). This variant has not been reported in the literature in individuals affected with MYO18B-related conditions. ClinVar contains an entry for this variant (Variation ID: 1509419). An algorithm developed to predict the effect of missense changes on protein structure and function (PolyPhen-2) suggests that this variant is likely to be disruptive. In summary, the available evidence is currently insufficient to determine the role of this variant in disease. Therefore, it has been classified as a Variant of Uncertain Significance.

GeneDx
Classification: Uncertain significance. Last evaluated: 2022-09-09. Review status: criteria provided, single submitter. Criteria: GeneDx Variant Classification Process June 2021. Collection method: clinical testing. Allele origin: germline. Affected: yes.
Comment: In silico analysis supports that this missense variant has a deleterious effect on protein structure/function; Has not been previously published as pathogenic or benign to our knowledge

NM_032608.7(MYO18B):c.5759A>G (p.Asp1920Gly)

Gene: MYO18B (myosin XVIIIB; plus strand). Cytogenetic location: 22q12.1.
Variant type: single nucleotide variant.
Coding change: c.5759A>G on transcript NM_032608.7 (MANE Select); coding-DNA position 5759, A replaced by G.
Protein change: p.Asp1920Gly; replaces aspartic acid 1920 with glycine.
Molecular consequence: missense variant.
Genome position (GRCh38, 1-based): chr22:25,950,377, A>G. VCF-style: chr22-25950377-A-G. GRCh37 (hg19) VCF-style: chr22-26346343-A-G.
Other names: c.5762A>G, p.Asp1921Gly (NM_001318245.2); c.5759A>G (NM_032608.5); short protein forms D1920G, D1921G.
Identifiers: ClinVar variation 1509419 (VCV001509419.4), dbSNP rs374123659, ClinGen allele CA10161275.